The following is an entry in ClinVar:

ClinVar aggregate classification (germline): Uncertain significance (1 of 4 stars; one submission).

Submission:

GeneDx
Classification: Uncertain significance. Last evaluated: 2022-08-26. Review status: criteria provided, single submitter. Criteria: GeneDx Variant Classification Process June 2021. Collection method: clinical testing. Allele origin: germline. Affected: yes.
Comment: Not observed at significant frequency in large population cohorts (gnomAD); Missense variants in this gene are often considered pathogenic (HGMD); In silico analysis supports that this missense variant has a deleterious effect on protein structure/function; Has not been previously published as pathogenic or benign to our knowledge

NM_006086.4(TUBB3):c.328G>A (p.Ala110Thr)

Gene: TUBB3 (tubulin beta 3 class III; plus strand). Cytogenetic location: 16q24.3.
Variant type: single nucleotide variant.
Coding change: c.328G>A on transcript NM_006086.4 (MANE Select); coding-DNA position 328, G replaced by A.
Protein change: p.Ala110Thr; replaces alanine 110 with threonine.
Molecular consequence: missense variant.
Genome position (GRCh38, 1-based): chr16:89,934,779, G>A. VCF-style: chr16-89934779-G-A. GRCh37 (hg19) VCF-style: chr16-90001187-G-A.
Other names: c.112G>A, p.Ala38Thr (NM_001197181.2); short protein forms A110T, A38T.
Identifiers: ClinVar variation 2430802 (VCV002430802.1), dbSNP rs2544627086, ClinGen allele CA397474220.